The following is an entry in ClinVar:

ClinVar aggregate classification (germline): Uncertain significance (1 of 4 stars; one submission).

Conditions:
Encephalopathy, acute, infection-induced (herpes-specific), susceptibility to, 1. Also called: Herpes simplex encephalitis, susceptibility to, 1. Identifiers: Orphanet 1930, MedGen C2750180, MONDO:0024563, OMIM 610551.

Submission:

Labcorp Genetics (formerly Invitae), Labcorp
Classification: Uncertain significance for Encephalopathy, acute, infection-induced (herpes-specific), susceptibility to, 1. Last evaluated: 2022-03-13. Review status: criteria provided, single submitter. Criteria: Invitae Variant Classification Sherloc (09022015). Collection method: clinical testing. Allele origin: germline.
Comment: This sequence change replaces arginine, which is basic and polar, with proline, which is neutral and non-polar, at codon 525 of the UNC93B1 protein (p.Arg525Pro). Information on the frequency of this variant in the gnomAD database is not available, as this variant may be reported differently in the database. This variant has not been reported in the literature in individuals affected with UNC93B1-related conditions. Experimental studies and prediction algorithms are not available or were not evaluated, and the functional significance of this variant is currently unknown. In summary, the available evidence is currently insufficient to determine the role of this variant in disease. Therefore, it has been classified as a Variant of Uncertain Significance.

NM_030930.4(UNC93B1):c.1574_1575delinsCT (p.Arg525Pro)

Gene: UNC93B1 (unc-93B1 regulator of TLR signaling; minus strand). Cytogenetic location: 11q13.2.
Variant type: Indel.
Coding change: c.1574_1575delinsCT on transcript NM_030930.4 (MANE Select); coding-DNA positions 1574 to 1575, GC replaced by CT.
Protein change: p.Arg525Pro; replaces arginine 525 with proline.
Molecular consequence: missense variant.
Genome position (GRCh38, 1-based): chr11:67,991,765-67,991,766, GC replaced by AG on the plus strand (GC replaced by CT on the coding strand, the reverse complement: UNC93B1 is on the minus strand). VCF-style: chr11-67991765-GC-AG. GRCh37 (hg19) VCF-style: chr11-67759236-GC-AG.
Other names: short protein forms R525P.
Identifiers: ClinVar variation 2111302 (VCV002111302.4), dbSNP rs2495470092, ClinGen allele CA2580084646.